The following is an entry in ClinVar:

NM_014159.7(SETD2):c.1345C>A (p.Pro449Thr)

Gene: SETD2 (SET domain containing 2, histone lysine methyltransferase; minus strand). Cytogenetic location: 3p21.31.
Variant type: single nucleotide variant.
Coding change: c.1345C>A on transcript NM_014159.7 (MANE Select); coding-DNA position 1345, C replaced by A.
Protein change: p.Pro449Thr; replaces proline 449 with threonine.
Molecular consequence: missense variant. On other transcripts: non-coding transcript variant (1).
Genome position (GRCh38, 1-based): chr3:47,123,291, G>T on the plus strand (C>A on the coding strand, the complement: SETD2 is on the minus strand). VCF-style: chr3-47123291-G-T. GRCh37 (hg19) VCF-style: chr3-47164781-G-T.
Other names: c.1213C>A, p.Pro405Thr (NM_001349370.3); short protein forms P405T, P449T.
Identifiers: ClinVar variation 2822954 (VCV002822954.3), dbSNP rs902395542, ClinGen allele CA73811562.
Genomic context (GRCh38, chr3:47,123,291, plus strand): 5'-ATGTCTTCTTATACTCTTCTTCTGAGTCAGAACTCTCTCGTGCTCTGTTATCTGTGTATG[G>T]CCGAGAATAGCGCGTCCTCTCTCGATAAGGGGAGCTCCTATGGTAGCGACGATCAGAGTC-3'
Protein context (NP_054878.5, residues 439-459): PYRERTRYSR[Pro449Thr]YTDNRARESS

ClinVar aggregate classification (germline): Uncertain significance (1 of 4 stars; one submission).

Conditions:
Luscan-Lumish syndrome. Identifiers: Orphanet 597738, MedGen C4085873, MONDO:0014791, OMIM 616831.

Submission:

Labcorp Genetics (formerly Invitae), Labcorp
Classification: Uncertain significance for Luscan-Lumish syndrome. Last evaluated: 2022-12-21. Review status: criteria provided, single submitter. Criteria: Invitae Variant Classification Sherloc (09022015). Collection method: clinical testing. Allele origin: germline.
Comment: This sequence change replaces proline, which is neutral and non-polar, with threonine, which is neutral and polar, at codon 449 of the SETD2 protein (p.Pro449Thr). This variant is not present in population databases (gnomAD no frequency). This variant has not been reported in the literature in individuals affected with SETD2-related conditions. Advanced modeling of protein sequence and biophysical properties (such as structural, functional, and spatial information, amino acid conservation, physicochemical variation, residue mobility, and thermodynamic stability) performed at Invitae indicates that this missense variant is not expected to disrupt SETD2 protein function. In summary, the available evidence is currently insufficient to determine the role of this variant in disease. Therefore, it has been classified as a Variant of Uncertain Significance.